The following is an entry in ClinVar:

ClinVar aggregate classification (germline): Likely benign (1 of 4 stars; one submission).

Submissions (2):

CeGaT Center for Human Genetics Tuebingen
Classification: Likely benign. Last evaluated: 2025-04-01. Review status: criteria provided, single submitter. Criteria: CeGaT Center For Human Genetics Tuebingen Variant Classification Criteria Version 2. Collection method: clinical testing. Allele origin: germline. Affected: yes. Observed: 1 variant allele.
Comment: PRDM9: BP4

Dr. Peter K. Rogan Lab, Western University
No classification provided (evidence only). Condition: Malignant lymphoma, large B-cell, diffuse. Review status: no classification provided. Collection method: in vitro. Allele origin: not applicable. Functional consequence: retained intron. Not counted in ClinVar's aggregate classification.

NM_020227.4(PRDM9):c.2211A>T (p.Arg737Ser)

Gene: PRDM9 (PR/SET domain 9; plus strand). Cytogenetic location: 5p14.2.
Variant type: single nucleotide variant.
Coding change: c.2211A>T on transcript NM_020227.4 (MANE Select); coding-DNA position 2211, A replaced by T.
Protein change: p.Arg737Ser; replaces arginine 737 with serine.
Molecular consequence: missense variant.
Genome position (GRCh38, 1-based): chr5:23,527,299, A>T. VCF-style: chr5-23527299-A-T. GRCh37 (hg19) VCF-style: chr5-23527408-A-T.
Other names: NC_000005.9:g.23527408A>T; c.2211A>T, p.Arg737Ser (NM_001376900.1); short protein forms R737S.
Identifiers: ClinVar variation 3898117 (VCV003898117.8).
Genomic context (GRCh38, chr5:23,527,299, plus strand): 5'-GAAGCCCTATGTCTGCAGGGAGTGTGGGCGGGGCTTTAGCAATAAGTCACACCTCCTCAG[A>T]CACCAGAGGACACACACAGGGGAGAAGCCCTATGTCTGCAGGGAGTGTGGGCGGGGCTTT-3'
Protein context (NP_064612.2, residues 727-747): RGFSNKSHLL[Arg737Ser]HQRTHTGEKP